The following is an entry in ClinVar:

ClinVar aggregate classification (germline): Uncertain significance. Review status: criteria provided, multiple submitters, no conflicts (2 of 4 stars). 3 submissions from 3 submitters: Uncertain significance (3). Last evaluated 2025-11-24.

Conditions:
Inborn genetic diseases. Identifiers: MedGen C0950123, MeSH D030342.

Allele frequency attached by ClinVar (database versions not stated): ESP Exome Variant Server 0.00008; gnomAD 0.00009; TOPMed 0.00009; gnomAD exomes 0.00018; ExAC 0.00033.
gnomAD v4.1: 258 of 1,610,934 alleles (0.016%); highest among the groups gnomAD compares: Middle Eastern, 0.2%; 4 homozygotes.

Submissions (3):

Labcorp Genetics (formerly Invitae), Labcorp
Classification: Uncertain significance. Last evaluated: 2025-11-24. Review status: criteria provided, single submitter. Criteria: Invitae Variant Classification Sherloc (09022015). Collection method: clinical testing. Allele origin: germline.
Comment: This sequence change replaces proline, which is neutral and non-polar, with arginine, which is basic and polar, at codon 319 of the WDR4 protein (p.Pro319Arg). This variant is present in population databases (rs370024053, gnomAD 0.04%). This variant has not been reported in the literature in individuals affected with WDR4-related conditions. ClinVar contains an entry for this variant (Variation ID: 1435258). Invitae Evidence Modeling of protein sequence and biophysical properties (such as structural, functional, and spatial information, amino acid conservation, physicochemical variation, residue mobility, and thermodynamic stability) indicates that this missense variant is not expected to disrupt WDR4 protein function with a negative predictive value of 80%. In summary, the available evidence is currently insufficient to determine the role of this variant in disease. Therefore, it has been classified as a Variant of Uncertain Significance.

Ambry Genetics
Classification: Uncertain significance for Inborn genetic diseases. Last evaluated: 2024-08-14. Review status: criteria provided, single submitter. Criteria: Ambry Variant Classification Scheme 2023. Collection method: clinical testing. Allele origin: germline.

Breakthrough Genomics
Classification: Uncertain significance. Review status: criteria provided, single submitter. Criteria: ACMG Guidelines, 2015. Collection method: not provided. Allele origin: germline. Inheritance: Autosomal dominant inheritance. Affected: yes.

NM_018669.6(WDR4):c.956C>G (p.Pro319Arg)

Gene: WDR4 (WDR4 tRNA N7-guanosine methyltransferase non-catalytic subunit; minus strand). Cytogenetic location: 21q22.3.
Variant type: single nucleotide variant.
Coding change: c.956C>G on transcript NM_018669.6 (MANE Select); coding-DNA position 956, C replaced by G.
Protein change: p.Pro319Arg; replaces proline 319 with arginine.
Molecular consequence: missense variant. On other transcripts: non-coding transcript variant (1).
Genome position (GRCh38, 1-based): chr21:42,853,588, G>C on the plus strand (C>G on the coding strand, the complement: WDR4 is on the minus strand). VCF-style: chr21-42853588-G-C. GRCh37 (hg19) VCF-style: chr21-44273698-G-C.
Other names: c.953C>G, p.Pro318Arg (NM_001260474.2); c.518C>G, p.Pro173Arg (NM_001260475.2, NM_001260476.2, NM_001260477.2); c.956C>G, p.Pro319Arg (NM_033661.5); c.956C>G (NM_018669.4); short protein forms P319R, P173R, P318R.
Identifiers: ClinVar variation 1435258 (VCV001435258.7), dbSNP rs370024053, ClinGen allele CA10045883.
Genomic context (GRCh38, chr21:42,853,588, plus strand): 5'-AAAGGCAGGGCATAGGACATCTGGAAGGTGCCGAGTCTCACCTGCCACTGGTCGCCCACA[G>C]GCCTGTAGAGCACCAGGGGGGCTTCCTGGCAGTCCTGGAGCACCCACAGCCCCTGGGTCT-3'
Protein context (NP_061139.2, residues 309-329): CQEAPLVLYR[Pro319Arg]VGDQWQSVPE